The following is an entry in ClinVar:

NM_001009944.3(PKD1):c.4906C>T (p.Gln1636Ter)

Gene: PKD1 (polycystin 1, transient receptor potential channel interacting; minus strand). Cytogenetic location: 16p13.3.
Variant type: single nucleotide variant.
Coding change: c.4906C>T on transcript NM_001009944.3 (MANE Select); coding-DNA position 4906, C replaced by T.
Protein change: p.Gln1636Ter; replaces glutamine 1636 with a stop codon.
Molecular consequence: nonsense.
Genome position (GRCh38, 1-based): chr16:2,110,261, G>A on the plus strand (C>T on the coding strand, the complement: PKD1 is on the minus strand). VCF-style: chr16-2110261-G-A. GRCh37 (hg19) VCF-style: chr16-2160262-G-A.
Other names: c.4906C>T (NM_001009944.2); c.4906C>T, p.Gln1636Ter (NM_000296.4); short protein forms Q1636*.
Identifiers: ClinVar variation 803166 (VCV000803166.5), dbSNP rs1596557266, ClinGen allele CA394378943.

ClinVar aggregate classification (germline): Pathogenic. Review status: criteria provided, multiple submitters, no conflicts (2 of 4 stars). 5 submissions from 5 submitters: Pathogenic (4). 1 of the submissions does not count toward it. Last evaluated 2026-06-29.

Conditions:
Polycystic kidney disease. Also called: Polycystic kidney dysplasia; Kidney, Polycystic. Identifiers: MedGen C0022680, MeSH D007690, MONDO:0020642, HP:0000113.
PKD1-related disorder. Also called: PKD1-related condition.
Polycystic kidney disease, adult type (PKD1). Also called: Polycystic Kidney Disease 1, Autosomal Dominant; Polycystic kidney disease 1; Polycystic kidney disease 1, severe; POLYCYSTIC KIDNEY DISEASE, ADULT, TYPE I; Polycystic Kidney, Autosomal Dominant; POLYCYSTIC KIDNEY DISEASE 1 WITH OR WITHOUT POLYCYSTIC LIVER DISEASE. Identifiers: MedGen C3149841, MONDO:0008263, OMIM 173900.

Submissions (5):

PreventionGenetics, part of Exact Sciences
Classification: Pathogenic for PKD1-related condition. Last evaluated: 2026-06-29. Review status: criteria provided, single submitter. Criteria: ACMG Guidelines, 2015. Collection method: clinical testing. Allele origin: germline.
Comment: The PKD1 c.4906C>T variant is predicted to result in premature protein termination (p.Gln1636*). This variant has been reported in individuals with autosomal dominant polycystic kidney disease (ADPKD) (see for example, Rossetti et al. 2002. PubMed ID: 11967008; Zhang et al. 2019. PubMed ID: 29633482). This variant has not been reported in a large population database (gnomAD), indicating this variant is rare. Nonsense variants in PKD1 are expected to be pathogenic. This variant is interpreted as pathogenic.

Victorian Clinical Genetics Services, Murdoch Childrens Research Institute
Classification: Pathogenic for Polycystic kidney disease, adult type. Last evaluated: 2024-10-09. Review status: criteria provided, single submitter. Criteria: ACMG Guidelines, 2015. Collection method: clinical testing. Allele origin: germline. Inheritance: Autosomal dominant inheritance. Affected: yes.
Comment: Based on the classification scheme VCGS_Germline_v1.3.4, this variant is classified as Pathogenic. Following criteria are met: 0102 - Loss of function is a known mechanism of disease in this gene and is associated with polycystic kidney disease 1 (MIM#173900). (I) 0107 - This gene is associated with autosomal dominant disease. Polycystic kidney disease 1 (MIM#173900) is predominantly caused by monoallelic variants, with rare reports of biallelic variants causing disease (OMIM). (I) 0201 - Variant is predicted to cause nonsense-mediated decay (NMD) and loss of protein (premature termination codon is located at least 54 nucleotides upstream of the final exon-exon junction). (SP) 0251 - This variant is heterozygous. (I) 0301 - Variant is absent from gnomAD (both v2 and v3). (SP) 0701 - Other NMD-predicted variants comparable to the one identified in this case have very strong previous evidence for pathogenicity (DECIPHER). (SP) 0801 - This variant has strong previous evidence of pathogenicity in unrelated individuals. This variant has been reported as pathogenic by multiple clinical laboratories (ClinVar), and observed in multiple families with polycystic kidney disease (PMID: 22508176). (SP) 1208 - Inheritance information for this variant is not currently available in this individual. (I) Legend: (SP) - Supporting pathogenic, (I) - Information, (SB) - Supporting benign

Fulgent Genetics
Classification: Pathogenic for Polycystic kidney disease, adult type. Last evaluated: 2021-12-29. Review status: criteria provided, single submitter. Criteria: ACMG Guidelines, 2015. Collection method: clinical testing. Allele origin: unknown.

Mendelics
Classification: Pathogenic for Polycystic kidney disease, adult type. Last evaluated: 2019-05-28. Review status: criteria provided, single submitter. Criteria: Mendelics Assertion Criteria 2017. Collection method: clinical testing. Allele origin: unknown.

Department of Pathology and Laboratory Medicine, Sinai Health System
Classification: Pathogenic for Polycystic Kidney disease. Review status: no assertion criteria provided. Collection method: clinical testing. Allele origin: unknown. Affected: yes. Observed: 1 variant allele. Study: The Canadian Open Genetics Repository (COGR). Not counted in ClinVar's aggregate classification.
Comment: The PKD1 p.Gln1636* variant was identified in 3 of 1490 proband chromosomes (frequency: 0.002) from individuals or families with ADPKD and was observed to segregate with disease in multiple family members (Audrezet 2012, Rossetti 2002). The variant was also identified in ADPKD Mutation Database (classified as definitely pathogenic). The variant was not identified in dbSNP, ClinVar, LOVD 3.0, PKD1-LOVD, the Exome Aggregation Consortium (August 8th 2016), or the Genome Aggregation Database (Feb 27, 2017). The c.4906C>T variant leads to a premature stop codon at position 1636 which is predicted to result in a truncated or absent protein and loss of function. Loss of function variants of the PKD1 gene are an established mechanism of disease in ADPKD and is the type of variant expected to cause the disorder. In summary, based on the above information this variant meets our laboratoryâ€šÃ„Ã´s criteria to be classified as pathogenic.

Literature cited by the submitters: PubMed 22508176 (cited by Victorian Clinical Genetics Services, Murdoch Childrens Research Institute).